The following is an entry in ClinVar:

ClinVar aggregate classification (germline): Pathogenic (1 of 4 stars; one submission).

Conditions:
SIN3A-related intellectual disability syndrome due to a point mutation. Also called: 15q24 Microdeletion Syndrome; WITTEVEEN-KOLK SYNDROME. Identifiers: Orphanet 500166, Orphanet 94065, MedGen C4310804, MONDO:0044700, OMIM 613406.

Submission:

MVZ Medizinische Genetik Mainz
Classification: Pathogenic for SIN3A-related intellectual disability syndrome due to a point mutation. Last evaluated: 2021-12-08. Review status: criteria provided, single submitter. Criteria: UK Practice Guidelines For Variant Classification V4 01 2020. Collection method: clinical testing. Allele origin: germline. Inheritance: Autosomal dominant inheritance. Affected: yes. Observed: 1 variant allele.
Comment: ACMG Criteria: PVS1, PM6, PM2_SUP

NM_001145358.2(SIN3A):c.1810C>T (p.Gln604Ter)

Gene: SIN3A (SIN3 transcription regulator family member A; minus strand). Cytogenetic location: 15q24.2.
Variant type: single nucleotide variant.
Coding change: c.1810C>T on transcript NM_001145358.2 (MANE Select); coding-DNA position 1810, C replaced by T.
Protein change: p.Gln604Ter; replaces glutamine 604 with a stop codon.
Molecular consequence: nonsense.
Genome position (GRCh38, 1-based): chr15:75,400,084, G>A on the plus strand (C>T on the coding strand, the complement: SIN3A is on the minus strand). VCF-style: chr15-75400084-G-A. GRCh37 (hg19) VCF-style: chr15-75692425-G-A.
Other names: c.1810C>T, p.Gln604Ter (NM_001145357.2, NM_015477.3); short protein forms Q604*.
Identifiers: ClinVar variation 3234067 (VCV003234067.1), dbSNP rs2542629795, ClinGen allele CA393497344.
Genomic context (GRCh38, chr15:75,400,084, plus strand): 5'-CCAAACAAGCTTGTACCTCAAAGCGTTCATCTTCACAACGATAAATATGTTCTTCATATT[G>A]AGTCTTCTTGGAACTCACAAAGGTAGAGTCCTCAGACCACGAAGGGAAGGAAACCCAGGT-3'